The following is an entry in ClinVar:

ClinVar aggregate classification (germline): Uncertain significance (1 of 4 stars; one submission).

Conditions:
Breast-ovarian cancer, familial, susceptibility to, 2 (BROVCA2). Also called: BRCA2 Hereditary Breast and Ovarian Cancer. Identifiers: Orphanet 145, MedGen C2675520, MONDO:0012933, OMIM 612555. Disease mechanism: loss of function.

Submission:

Dipartimento Di Medicina Di Precisione, Università Degli Studi Della Campania Luigi Vanvitelli
Classification: Uncertain significance for Breast-ovarian cancer, familial, susceptibility to, 2. Last evaluated: 2025-07-04. Review status: criteria provided, single submitter. Criteria: ACMG Guidelines, 2015. Collection method: clinical testing. Allele origin: germline. Inheritance: Autosomal dominant inheritance. Affected: yes. Observed: 1 heterozygote.
Comment: It is an adenine insertion located 74 nucleotides upstream of exon 12, positioned far from canonical splice sites.

Literature cited by the submitters: DOI 10.1515/cclm-2012-0154.

NC_000013.11:g.31816666_31816667insA

Gene: BRCA2 (BRCA2 DNA repair associated; plus strand). Cytogenetic location: 13q13.1.
Variant type: Insertion.
Genome position: GRCh38 VCF-style: chr13-31816666-T-TA. GRCh37 (hg19) VCF-style: chr13-32390803-T-TA.
Other names: IVS11-74insA.
Identifiers: ClinVar variation 4073564 (VCV004073564.1).